The following is an entry in ClinVar:

NM_006206.6(PDGFRA):c.2287G>C (p.Asp763His)

Gene: PDGFRA (platelet derived growth factor receptor alpha; plus strand). Cytogenetic location: 4q12.
Variant type: single nucleotide variant.
Coding change: c.2287G>C on transcript NM_006206.6 (MANE Select); coding-DNA position 2287, G replaced by C.
Protein change: p.Asp763His; replaces aspartic acid 763 with histidine.
Molecular consequence: missense variant.
Genome position (GRCh38, 1-based): chr4:54,280,446, G>C. VCF-style: chr4-54280446-G-C. GRCh37 (hg19) VCF-style: chr4-55146613-G-C.
Other names: c.2287G>C, p.Asp763His (NM_001347827.2, NM_001347829.2); c.2362G>C, p.Asp788His (NM_001347828.2); c.2326G>C, p.Asp776His (NM_001347830.2); short protein forms D776H, D763H, D788H.
Identifiers: ClinVar variation 847165 (VCV000847165.19), dbSNP rs1724013488, ClinGen allele CA356894483.

ClinVar aggregate classification (germline): Uncertain significance. Review status: criteria provided, multiple submitters, no conflicts (2 of 4 stars). 2 submissions from 2 submitters: Uncertain significance (2). Last evaluated 2022-09-24.

Conditions:
Hereditary cancer-predisposing syndrome. Also called: Neoplastic Syndromes, Hereditary; Tumor predisposition; Hereditary Cancer Syndrome; Hereditary neoplastic syndrome. Identifiers: Orphanet 140162, MedGen C0027672, MeSH D009386, MONDO:0015356.
Gastrointestinal stromal tumor. Also called: Gastrointestinal stromal tumor, somatic; Gastrointestinal stroma tumor. Identifiers: Orphanet 44890, MedGen C0238198, MeSH D046152, MONDO:0011719, OMIM 606764, HP:0100723.

gnomAD v4.1: 3 of 1,613,874 alleles (0.00019%); highest among the groups gnomAD compares: Non-Finnish European, 0.00017%; no homozygotes.

Submissions (2):

Ambry Genetics
Classification: Uncertain significance for Hereditary cancer-predisposing syndrome. Last evaluated: 2022-09-24. Review status: criteria provided, single submitter. Criteria: Ambry Variant Classification Scheme 2023. Collection method: clinical testing. Allele origin: germline.
Comment: The p.D763H variant (also known as c.2287G>C), located in coding exon 15 of the PDGFRA gene, results from a G to C substitution at nucleotide position 2287. The aspartic acid at codon 763 is replaced by histidine, an amino acid with similar properties. This amino acid position is conserved. In addition, this alteration is predicted to be deleterious by in silico analysis. Since supporting evidence is limited at this time, the clinical significance of this alteration remains unclear.

Labcorp Genetics (formerly Invitae), Labcorp
Classification: Uncertain significance for Gastrointestinal stromal tumor. Last evaluated: 2022-07-19. Review status: criteria provided, single submitter. Criteria: Invitae Variant Classification Sherloc (09022015). Collection method: clinical testing. Allele origin: germline.
Comment: This variant has not been reported in the literature in individuals affected with PDGFRA-related conditions. In summary, the available evidence is currently insufficient to determine the role of this variant in disease. Therefore, it has been classified as a Variant of Uncertain Significance. Algorithms developed to predict the effect of missense changes on protein structure and function (SIFT, PolyPhen-2, Align-GVGD) all suggest that this variant is likely to be disruptive. ClinVar contains an entry for this variant (Variation ID: 847165). This variant is not present in population databases (gnomAD no frequency). This sequence change replaces aspartic acid, which is acidic and polar, with histidine, which is basic and polar, at codon 763 of the PDGFRA protein (p.Asp763His).